The following is an entry in ClinVar:

ClinVar aggregate classification (germline): Pathogenic (1 of 4 stars; one submission).

Conditions:
Mowat-Wilson syndrome (MOWS). Also called: Classic Mowat-Wilson Syndrome. Identifiers: Orphanet 2152, MedGen C1856113, MONDO:0009341, OMIM 235730.

Submission:

Labcorp Genetics (formerly Invitae), Labcorp
Classification: Pathogenic for Mowat-Wilson syndrome. Last evaluated: 2022-03-06. Review status: criteria provided, single submitter. Criteria: Invitae Variant Classification Sherloc (09022015). Collection method: clinical testing. Allele origin: germline.
Comment: For these reasons, this variant has been classified as Pathogenic. This variant has not been reported in the literature in individuals affected with ZEB2-related conditions. This variant is not present in population databases (gnomAD no frequency). This sequence change creates a premature translational stop signal (p.Thr567Metfs*4) in the ZEB2 gene. It is expected to result in an absent or disrupted protein product. Loss-of-function variants in ZEB2 are known to be pathogenic (PMID: 16053902).

Literature cited by the submitters: PubMed 16053902.

NM_014795.4(ZEB2):c.1700_1703del (p.Thr567fs)

Gene: ZEB2 (zinc finger E-box binding homeobox 2; minus strand). Cytogenetic location: 2q22.3.
Variant type: Deletion.
Coding change: c.1700_1703del on transcript NM_014795.4 (MANE Select); coding-DNA positions 1700 to 1703, 4 bases deleted (CTGA; older notation c.1700_1703delCTGA).
Protein change: p.Thr567fs; shifts the reading frame from threonine 567.
Molecular consequence: frameshift variant.
Genome position (GRCh38, 1-based): chr2:144,399,484-144,399,487, TCAG deleted on the plus strand (CTGA on the coding strand, the reverse complement: ZEB2 is on the minus strand); deleting any 4 consecutive bases within chr2:144,399,484-144,399,488 gives the same sequence; the c. name uses the placement nearest the transcript's 3' end. VCF-style (leftmost placement, unchanged base first): chr2-144399483-ATCAG-A. GRCh37 (hg19) VCF-style: chr2-145157050-ATCAG-A.
Other names: c.1628_1631del, p.Thr543fs (NM_001171653.2); short protein forms T543fs, T567fs.
Identifiers: ClinVar variation 2107409 (VCV002107409.4), dbSNP rs2149877112, ClinGen allele CA2580063865.
Genomic context (GRCh38, chr2:144,399,483, plus strand): 5'-TTCTTTACAGAACTGGCATGAAAATGGAGTGGATATGTTGTGGTTCTCAATCATTTTGTC[ATCAG>A]TGACCAAATCTATTAAAGTACGTAGCTTCTCTTTCTTTATATTACTGATCTGTCTCCTTG-3'